The following is an entry in ClinVar:

ClinVar aggregate classification (germline): Uncertain significance (1 of 4 stars; one submission).

Allele frequency attached by ClinVar (database versions not stated): TOPMed below 0.00001; ExAC 0.00001; gnomAD exomes 0.00001.
gnomAD v4.1: 12 of 1,613,602 alleles (0.00074%); highest among the groups gnomAD compares: South Asian, 0.0011%; no homozygotes.

Submission:

Labcorp Genetics (formerly Invitae), Labcorp
Classification: Uncertain significance. Last evaluated: 2022-08-12. Review status: criteria provided, single submitter. Criteria: Invitae Variant Classification Sherloc (09022015). Collection method: clinical testing. Allele origin: germline.
Comment: In summary, the available evidence is currently insufficient to determine the role of this variant in disease. Therefore, it has been classified as a Variant of Uncertain Significance. Algorithms developed to predict the effect of missense changes on protein structure and function output the following: SIFT: "Tolerated"; PolyPhen-2: "Benign"; Align-GVGD: "Class C0". The tyrosine amino acid residue is found in multiple mammalian species, which suggests that this missense change does not adversely affect protein function. This variant has not been reported in the literature in individuals affected with PLK4-related conditions. This variant is present in population databases (rs748169670, gnomAD 0.003%). This sequence change replaces histidine, which is basic and polar, with tyrosine, which is neutral and polar, at codon 507 of the PLK4 protein (p.His507Tyr).

NM_014264.5(PLK4):c.1519C>T (p.His507Tyr)

Gene: PLK4 (polo like kinase 4; plus strand). Cytogenetic location: 4q28.1.
Variant type: single nucleotide variant.
Coding change: c.1519C>T on transcript NM_014264.5 (MANE Select); coding-DNA position 1519, C replaced by T.
Protein change: p.His507Tyr; replaces histidine 507 with tyrosine.
Molecular consequence: missense variant.
Genome position (GRCh38, 1-based): chr4:127,889,925, C>T. VCF-style: chr4-127889925-C-T. GRCh37 (hg19) VCF-style: chr4-128811080-C-T.
Other names: c.1423C>T, p.His475Tyr (NM_001190799.2); c.1396C>T, p.His466Tyr (NM_001190801.2); short protein forms H507Y, H466Y, H475Y.
Identifiers: ClinVar variation 1945845 (VCV001945845.5), dbSNP rs748169670, ClinGen allele CA3076795.